The following is an entry in ClinVar:

ClinVar aggregate classification (germline): Uncertain significance (1 of 4 stars; one submission).

gnomAD v4.1: 4 of 1,611,560 alleles (0.00025%); highest among the groups gnomAD compares: Non-Finnish European, 0.00034%; no homozygotes.

Submission:

GeneDx
Classification: Uncertain significance. Last evaluated: 2023-07-23. Review status: criteria provided, single submitter. Criteria: GeneDx Variant Classification Process June 2021. Collection method: clinical testing. Allele origin: germline. Affected: yes.
Comment: Not observed at significant frequency in large population cohorts (gnomAD); In silico analysis supports that this missense variant has a deleterious effect on protein structure/function; Has not been previously published as pathogenic or benign to our knowledge

NM_015057.5(MYCBP2):c.11408G>A (p.Arg3803Gln)

Genes: MYCBP2 (MYC binding protein 2; minus strand), MYCBP2-AS1 (MYCBP2 antisense RNA 1; plus strand). Cytogenetic location: 13q22.3.
Variant type: single nucleotide variant.
Coding change: c.11408G>A on transcript NM_015057.5 (MANE Select); coding-DNA position 11408, G replaced by A.
Protein change: p.Arg3803Gln; replaces arginine 3803 with glutamine.
Molecular consequence: missense variant.
Genome position (GRCh38, 1-based): chr13:77,081,437, C>T on the plus strand (G>A on the coding strand, the complement: MYCBP2 is on the minus strand). VCF-style: chr13-77081437-C-T. GRCh37 (hg19) VCF-style: chr13-77655572-C-T.
Other names: short protein forms R3803Q.
Identifiers: ClinVar variation 3361300 (VCV003361300.1).